The following is an entry in ClinVar:

NM_003482.4(KMT2D):c.7571C>T (p.Thr2524Met)

Gene: KMT2D (lysine methyltransferase 2D; minus strand). Cytogenetic location: 12q13.12.
Variant type: single nucleotide variant.
Coding change: c.7571C>T on transcript NM_003482.4 (MANE Select); coding-DNA position 7571, C replaced by T.
Protein change: p.Thr2524Met; replaces threonine 2524 with methionine.
Molecular consequence: missense variant.
Genome position (GRCh38, 1-based): chr12:49,040,199, G>A on the plus strand (C>T on the coding strand, the complement: KMT2D is on the minus strand). VCF-style: chr12-49040199-G-A. GRCh37 (hg19) VCF-style: chr12-49433982-G-A.
Other names: short protein forms T2524M.
Identifiers: ClinVar variation 499552 (VCV000499552.17), dbSNP rs760263014, ClinGen allele CA6547036.
Genomic context (GRCh38, chr12:49,040,199, plus strand): 5'-TCCCCTACTGCCTGAGGGAAAGTGAAACGCATGGGAGAGGGGGTGCCCACAAATGCACCC[G>A]TCCCAGGGGACCGGACAAAATTGGGGGGCTGCCCACTTGGGACCTTGGCATGGAGCTCAC-3'
Protein context (NP_003473.3, residues 2514-2534): QPPNFVRSPG[Thr2524Met]GAFVGTPSPM

ClinVar aggregate classification (germline): Conflicting classifications of pathogenicity. Review status: criteria provided, conflicting classifications (1 of 4 stars). 6 submissions from 6 submitters: Uncertain significance (2); Benign (1); Likely benign (3). Last evaluated 2025-10-16.

Conditions:
KMT2D-related disorder. Also called: KMT2D-Related Disorders.
Inborn genetic diseases. Identifiers: MedGen C0950123, MeSH D030342.
Kabuki syndrome. Also called: NIIKAWA-KUROKI SYNDROME; Kabuki make-up syndrome. Identifiers: Orphanet 2322, MedGen C0796004, MONDO:0016512.
Kabuki syndrome 1 (KABUK1). Also called: KMT2D-Related Kabuki Syndrome. Identifiers: Orphanet 2322, MedGen CN030661, MONDO:0007843, OMIM 147920.

Allele frequency attached by ClinVar (database versions not stated): gnomAD exomes 0.00002 and 0.00004; gnomAD 0.00004; TOPMed 0.00005; ExAC 0.00006.

Submissions (6):

PreventionGenetics, part of Exact Sciences
Classification: Likely benign for KMT2D-related condition. Last evaluated: 2025-10-16. Review status: criteria provided, single submitter. Criteria: ACMG Guidelines, 2015. Collection method: clinical testing. Allele origin: germline.
Comment: This variant is classified as likely benign based on ACMG/AMP sequence variant interpretation guidelines (Richards et al. 2015 PMID: 25741868, with internal and published modifications).

Ambry Genetics
Classification: Likely benign for Inborn genetic diseases. Last evaluated: 2025-07-22. Review status: criteria provided, single submitter. Criteria: Ambry Variant Classification Scheme 2023. Collection method: clinical testing. Allele origin: germline.

Labcorp Genetics (formerly Invitae), Labcorp
Classification: Benign for Kabuki syndrome. Last evaluated: 2025-04-27. Review status: criteria provided, single submitter. Criteria: Invitae Variant Classification Sherloc (09022015). Collection method: clinical testing. Allele origin: germline.

Genetic Services Laboratory, University of Chicago
Classification: Likely benign. Last evaluated: 2018-11-02. Review status: criteria provided, single submitter. Criteria: ACMG Guidelines, 2015. Collection method: clinical testing. Allele origin: germline. Affected: no.

Fulgent Genetics
Classification: Uncertain significance for Kabuki syndrome 1. Last evaluated: 2018-10-31. Review status: criteria provided, single submitter. Criteria: ACMG Guidelines, 2015. Collection method: clinical testing. Allele origin: unknown.

Eurofins Ntd Llc (ga)
Classification: Uncertain significance. Last evaluated: 2017-01-25. Review status: criteria provided, single submitter. Criteria: EGL Classification Definitions 2015. Collection method: clinical testing. Allele origin: germline. Observed: 1 variant allele, 1 heterozygote.